The following is an entry in ClinVar:

NM_000264.5(PTCH1):c.3962A>G (p.Asp1321Gly)

Gene: PTCH1 (patched 1; minus strand). Cytogenetic location: 9q22.32.
Variant type: single nucleotide variant.
Coding change: c.3962A>G on transcript NM_000264.5 (MANE Select); coding-DNA position 3962, A replaced by G.
Protein change: p.Asp1321Gly; replaces aspartic acid 1321 with glycine.
Molecular consequence: missense variant. On other transcripts: non-coding transcript variant (1).
Genome position (GRCh38, 1-based): chr9:95,447,294, T>C on the plus strand (A>G on the coding strand, the complement: PTCH1 is on the minus strand). VCF-style: chr9-95447294-T-C. GRCh37 (hg19) VCF-style: chr9-98209576-T-C.
Other names: c.3764A>G, p.Asp1255Gly (NM_001083602.3); c.3959A>G, p.Asp1320Gly (NM_001083603.3); c.3509A>G, p.Asp1170Gly (NM_001083604.3, NM_001083605.3, NM_001083606.3 and 1 more transcripts); c.3806A>G, p.Asp1269Gly (NM_001354918.2); short protein forms D1255G, D1321G, D1320G, D1170G, D1269G.
Identifiers: ClinVar variation 2449631 (VCV002449631.5), dbSNP rs2136580628, ClinGen allele CA374110584.

ClinVar aggregate classification (germline): Uncertain significance. Review status: criteria provided, multiple submitters, no conflicts (2 of 4 stars). 2 submissions from 2 submitters: Uncertain significance (2). Last evaluated 2023-11-17.

Conditions:
Hereditary cancer-predisposing syndrome. Also called: Hereditary neoplastic syndrome; Tumor predisposition; Neoplastic Syndromes, Hereditary; Hereditary Cancer Syndrome. Identifiers: Orphanet 140162, MedGen C0027672, MeSH D009386, MONDO:0015356.
Gorlin syndrome. Also called: Nevoid Basal Cell Carcinoma Syndrome; Basal cell nevus syndrome. Identifiers: Orphanet 377, MedGen C0004779, MONDO:0007187.

Allele frequency attached by ClinVar (database versions not stated): gnomAD exomes below 0.00001.
gnomAD v4.1: 1 of 1,612,662 alleles (0.000062%); highest among the groups gnomAD compares: Non-Finnish European, 0.000085%; no homozygotes.

Submissions (2):

Labcorp Genetics (formerly Invitae), Labcorp
Classification: Uncertain significance for Gorlin syndrome. Last evaluated: 2023-11-17. Review status: criteria provided, single submitter. Criteria: Invitae Variant Classification Sherloc (09022015). Collection method: clinical testing. Allele origin: germline.
Comment: This sequence change replaces aspartic acid, which is acidic and polar, with glycine, which is neutral and non-polar, at codon 1321 of the PTCH1 protein (p.Asp1321Gly). This variant is not present in population databases (gnomAD no frequency). This variant has not been reported in the literature in individuals affected with PTCH1-related conditions. ClinVar contains an entry for this variant (Variation ID: 2449631). Advanced modeling of protein sequence and biophysical properties (such as structural, functional, and spatial information, amino acid conservation, physicochemical variation, residue mobility, and thermodynamic stability) performed at Invitae indicates that this missense variant is not expected to disrupt PTCH1 protein function with a negative predictive value of 95%. In summary, the available evidence is currently insufficient to determine the role of this variant in disease. Therefore, it has been classified as a Variant of Uncertain Significance.

Ambry Genetics
Classification: Uncertain significance for Hereditary cancer-predisposing syndrome. Last evaluated: 2022-11-25. Review status: criteria provided, single submitter. Criteria: Ambry Variant Classification Scheme 2023. Collection method: clinical testing. Allele origin: germline.
Comment: The p.D1321G variant (also known as c.3962A>G), located in coding exon 23 of the PTCH1 gene, results from an A to G substitution at nucleotide position 3962. The aspartic acid at codon 1321 is replaced by glycine, an amino acid with similar properties. This amino acid position is conserved. In addition, the in silico prediction for this alteration is inconclusive. Since supporting evidence is limited at this time, the clinical significance of this alteration remains unclear.